The following is an entry in ClinVar:

NM_206933.4(USH2A):c.14493A>T (p.Gly4831=)

Gene: USH2A (usherin; minus strand). Cytogenetic location: 1q41.
Variant type: single nucleotide variant.
Coding change: c.14493A>T on transcript NM_206933.4 (MANE Select); coding-DNA position 14493, A replaced by T.
Protein change: p.Gly4831=; no amino-acid change (glycine 4831 retained).
Molecular consequence: synonymous variant.
Genome position (GRCh38, 1-based): chr1:215,648,617, T>A on the plus strand (A>T on the coding strand, the complement: USH2A is on the minus strand). VCF-style: chr1-215648617-T-A. GRCh37 (hg19) VCF-style: chr1-215821959-T-A.
Identifiers: ClinVar variation 935859 (VCV000935859.11), dbSNP rs113716139, ClinGen allele CA1393015.

ClinVar aggregate classification (germline): Conflicting classifications of pathogenicity. Review status: criteria provided, conflicting classifications (1 of 4 stars). 3 submissions from 3 submitters: Uncertain significance (2); Benign (1). Last evaluated 2025-10-29.

Conditions:
USH2A-related disorder. Also called: USH2A-related disorders; USH2A-related condition. Identifiers: MedGen CN239332.

Allele frequency attached by ClinVar (database versions not stated): ExAC 0.00001; gnomAD 0.00001 and 0.00005; gnomAD exomes 0.00002; TOPMed 0.00002.
gnomAD v4.1: 44 of 1,614,170 alleles (0.0027%); highest among the groups gnomAD compares: African/African-American, 0.023%; 1 homozygote.

Submissions (3):

PreventionGenetics, part of Exact Sciences
Classification: Uncertain significance for USH2A-related condition. Last evaluated: 2025-10-29. Review status: criteria provided, single submitter. Criteria: ACMG Guidelines, 2015. Collection method: clinical testing. Allele origin: germline.
Comment: The USH2A c.14493A>T variant is not predicted to result in an amino acid change (p.=). This variant is predicted to impact splicing based on available splicing prediction programs (SpliceAI, Jaganathan et al. 2019. PubMed ID: 30661751). To our knowledge, this variant has not been reported in the literature. This variant is reported in 0.0080% of alleles in individuals of African descent in gnomAD. At this time, the clinical significance of this variant is uncertain due to the absence of conclusive functional and genetic evidence.

Labcorp Genetics (formerly Invitae), Labcorp
Classification: Uncertain significance. Last evaluated: 2025-08-21. Review status: criteria provided, single submitter. Criteria: Invitae Variant Classification Sherloc (09022015). Collection method: clinical testing. Allele origin: germline.
Comment: This sequence change affects codon 4831 of the USH2A mRNA. It is a 'silent' change, meaning that it does not change the encoded amino acid sequence of the USH2A protein. This variant is present in population databases (rs113716139, gnomAD 0.008%). This variant has been observed in individual(s) with USH2A-related conditions (internal data). ClinVar contains an entry for this variant (Variation ID: 935859). Algorithms developed to predict the effect of sequence changes on RNA splicing suggest that this variant may create or strengthen a splice site. In summary, the available evidence is currently insufficient to determine the role of this variant in disease. Therefore, it has been classified as a Variant of Uncertain Significance.

GeneDx
Classification: Benign. Last evaluated: 2015-03-03. Review status: criteria provided, single submitter. Criteria: GeneDx Variant Classification Process June 2021. Collection method: clinical testing. Allele origin: germline. Affected: yes.